The following is an entry in ClinVar:

NM_021098.3(CACNA1H):c.4931C>T (p.Ser1644Leu)

Gene: CACNA1H (calcium voltage-gated channel subunit alpha1 H; plus strand). Cytogenetic location: 16p13.3.
Variant type: single nucleotide variant.
Coding change: c.4931C>T on transcript NM_021098.3 (MANE Select); coding-DNA position 4931, C replaced by T.
Protein change: p.Ser1644Leu; replaces serine 1644 with leucine.
Molecular consequence: missense variant.
Genome position (GRCh38, 1-based): chr16:1,214,973, C>T. VCF-style: chr16-1214973-C-T. GRCh37 (hg19) VCF-style: chr16-1264973-C-T.
Other names: c.4913C>T, p.Ser1638Leu (NM_001005407.2); short protein forms S1644L, S1638L.
Identifiers: ClinVar variation 529551 (VCV000529551.10), dbSNP rs745902196, ClinGen allele CA7801709.

ClinVar aggregate classification (germline): Uncertain significance. Review status: criteria provided, multiple submitters, no conflicts (2 of 4 stars). 3 submissions from 3 submitters: Uncertain significance (3). Last evaluated 2024-10-24.

Conditions:
Epilepsy, childhood absence, susceptibility to, 6. Identifiers: Orphanet 64280, MedGen C2749872, MONDO:0012763, OMIM 611942.
Hyperaldosteronism, familial, type IV (HALD4). Also called: FH IV; ALDOSTERONISM, PRIMARY, AND HYPERTENSION. Identifiers: Orphanet 642671, MedGen C4310756, MONDO:0014875, OMIM 617027.
Idiopathic generalized epilepsy. Also called: EIG; Generalised epilepsy. Identifiers: MedGen C0270850, MONDO:0005579, OMIM 600669.
Inborn genetic diseases. Identifiers: MedGen C0950123, MeSH D030342.

Allele frequency attached by ClinVar (database versions not stated): gnomAD exomes 0.00001; ExAC 0.00002.
gnomAD v4.1: 10 of 1,602,734 alleles (0.00062%); highest among the groups gnomAD compares: Non-Finnish European, 0.00077%; no homozygotes.

Submissions (3):

Labcorp Genetics (formerly Invitae), Labcorp
Classification: Uncertain significance for Idiopathic generalized epilepsy; Hyperaldosteronism, familial, type IV. Last evaluated: 2024-10-24. Review status: criteria provided, single submitter. Criteria: Invitae Variant Classification Sherloc (09022015). Collection method: clinical testing. Allele origin: germline.
Comment: This sequence change replaces serine, which is neutral and polar, with leucine, which is neutral and non-polar, at codon 1644 of the CACNA1H protein (p.Ser1644Leu). The frequency data for this variant in the population databases is considered unreliable, as metrics indicate poor data quality at this position in the gnomAD database. This variant has not been reported in the literature in individuals affected with CACNA1H-related conditions. ClinVar contains an entry for this variant (Variation ID: 529551). An algorithm developed to predict the effect of missense changes on protein structure and function (PolyPhen-2) suggests that this variant is likely to be tolerated. In summary, the available evidence is currently insufficient to determine the role of this variant in disease. Therefore, it has been classified as a Variant of Uncertain Significance.

Ambry Genetics
Classification: Uncertain significance for Inborn genetic diseases. Last evaluated: 2022-12-21. Review status: criteria provided, single submitter. Criteria: Ambry Variant Classification Scheme 2023. Collection method: clinical testing. Allele origin: germline.

Fulgent Genetics
Classification: Uncertain significance for Epilepsy, childhood absence, susceptibility to, 6; Hyperaldosteronism, familial, type IV. Last evaluated: 2021-12-02. Review status: criteria provided, single submitter. Criteria: ACMG Guidelines, 2015. Collection method: clinical testing. Allele origin: unknown.